The following is an entry in ClinVar:

NM_002439.5(MSH3):c.1065T>G (p.Asn355Lys)

Gene: MSH3 (mutS homolog 3; plus strand). Cytogenetic location: 5q14.1.
Variant type: single nucleotide variant.
Coding change: c.1065T>G on transcript NM_002439.5 (MANE Select); coding-DNA position 1065, T replaced by G.
Protein change: p.Asn355Lys; replaces asparagine 355 with lysine.
Molecular consequence: missense variant.
Genome position (GRCh38, 1-based): chr5:80,675,020, T>G. VCF-style: chr5-80675020-T-G. GRCh37 (hg19) VCF-style: chr5-79970839-T-G.
Other names: short protein forms N355K.
Identifiers: ClinVar variation 1412247 (VCV001412247.9), dbSNP rs757051997, ClinGen allele CA360267956.
Genomic context (GRCh38, chr5:80,675,020, plus strand): 5'-TATTTTTCTTTAATTATTATTAAATGTGAATCCCCTAATCAAGCTGGATGATGCTGTAAA[T>G]GTTGATGAGATAATGACTGATACTTCTACCAGCTATCTTCTGTGCATCTCTGAAAATAAG-3'
Protein context (NP_002430.3, residues 345-365): NPLIKLDDAV[Asn355Lys]VDEIMTDTST

ClinVar aggregate classification (germline): Uncertain significance. Review status: criteria provided, multiple submitters, no conflicts (2 of 4 stars). 3 submissions from 3 submitters: Uncertain significance (3). Last evaluated 2024-11-03.

Conditions:
Endometrial carcinoma. Also called: Endometrial carcinoma, somatic. Identifiers: MedGen C0476089, MONDO:0002447, OMIM 608089, HP:0012114.
Hereditary cancer-predisposing syndrome. Also called: Hereditary Cancer Syndrome; Tumor predisposition; Hereditary neoplastic syndrome; Neoplastic Syndromes, Hereditary. Identifiers: Orphanet 140162, MedGen C0027672, MeSH D009386, MONDO:0015356.

Submissions (3):

Labcorp Genetics (formerly Invitae), Labcorp
Classification: Uncertain significance. Last evaluated: 2024-11-03. Review status: criteria provided, single submitter. Criteria: Invitae Variant Classification Sherloc (09022015). Collection method: clinical testing. Allele origin: germline.
Comment: This sequence change replaces asparagine, which is neutral and polar, with lysine, which is basic and polar, at codon 355 of the MSH3 protein (p.Asn355Lys). This variant is not present in population databases (gnomAD no frequency). This variant has not been reported in the literature in individuals affected with MSH3-related conditions. ClinVar contains an entry for this variant (Variation ID: 1412247). An algorithm developed to predict the effect of missense changes on protein structure and function (PolyPhen-2) suggests that this variant is likely to be tolerated. In summary, the available evidence is currently insufficient to determine the role of this variant in disease. Therefore, it has been classified as a Variant of Uncertain Significance.

Ambry Genetics
Classification: Uncertain significance for Hereditary cancer-predisposing syndrome. Last evaluated: 2024-02-02. Review status: criteria provided, single submitter. Criteria: Ambry Variant Classification Scheme 2023. Collection method: clinical testing. Allele origin: germline.
Comment: The p.N355K variant (also known as c.1065T>G), located in coding exon 7 of the MSH3 gene, results from a T to G substitution at nucleotide position 1065. The asparagine at codon 355 is replaced by lysine, an amino acid with similar properties. This amino acid position is not well conserved in available vertebrate species. In addition, this alteration is predicted to be tolerated by in silico analysis. Since supporting evidence is limited at this time, the clinical significance of this alteration remains unclear.

Baylor Genetics
Classification: Uncertain significance for Endometrial carcinoma. Last evaluated: 2023-12-17. Review status: criteria provided, single submitter. Criteria: ACMG Guidelines, 2015. Collection method: clinical testing. Allele origin: unknown.